The following is an entry in ClinVar:

ClinVar aggregate classification (germline): Uncertain significance (1 of 4 stars; one submission).

Conditions:
Neurofibromatosis, type 1 (NF1). Also called: NEUROFIBROMATOSIS, TYPE I, SOMATIC; Peripheral type neurofibromatosis; VON RECKLINGHAUSEN DISEASE; Neurofibromatosis, type I. Identifiers: Orphanet 636, MedGen C0027831, MONDO:0018975, OMIM 162200. Disease mechanism: loss of function.

Allele frequency attached by ClinVar (database versions not stated): gnomAD 0.00001.
gnomAD v4.1: 1 of 1,613,914 alleles (0.000062%); highest among the groups gnomAD compares: African/African-American, 0.0013%; no homozygotes.

Submission:

Labcorp Genetics (formerly Invitae), Labcorp
Classification: Uncertain significance for Neurofibromatosis, type 1. Last evaluated: 2022-11-08. Review status: criteria provided, single submitter. Criteria: Invitae Variant Classification Sherloc (09022015). Collection method: clinical testing. Allele origin: germline.
Comment: In summary, the available evidence is currently insufficient to determine the role of this variant in disease. Therefore, it has been classified as a Variant of Uncertain Significance. This sequence change replaces glycine, which is neutral and non-polar, with alanine, which is neutral and non-polar, at codon 2478 of the NF1 protein (p.Gly2478Ala). This variant is not present in population databases (gnomAD no frequency). This variant has not been reported in the literature in individuals affected with NF1-related conditions. ClinVar contains an entry for this variant (Variation ID: 1004202). Advanced modeling of protein sequence and biophysical properties (such as structural, functional, and spatial information, amino acid conservation, physicochemical variation, residue mobility, and thermodynamic stability) performed at Invitae indicates that this missense variant is not expected to disrupt NF1 protein function.

NM_001042492.3(NF1):c.7496G>C (p.Gly2499Ala)

Gene: NF1 (neurofibromin 1; plus strand). Cytogenetic location: 17q11.2.
Variant type: single nucleotide variant.
Coding change: c.7496G>C on transcript NM_001042492.3 (MANE Select); coding-DNA position 7496, G replaced by C.
Protein change: p.Gly2499Ala; replaces glycine 2499 with alanine.
Molecular consequence: missense variant.
Genome position (GRCh38, 1-based): chr17:31,352,295, G>C. VCF-style: chr17-31352295-G-C. GRCh37 (hg19) VCF-style: chr17-29679313-G-C.
Other names: c.7433G>C, p.Gly2478Ala (NM_000267.4); short protein forms G2478A, G2499A.
Identifiers: ClinVar variation 1004202 (VCV001004202.5), dbSNP rs375176282, ClinGen allele CA399017512.
Genomic context (GRCh38, chr17:31,352,295, plus strand): 5'-CTCTATTGTTTTCATCTTTCAGGACACTAAAGGAGACTCAGCCATGGTCCTCTCCCAAAG[G>C]TTCTGAAGGATACCTTGCAGCCACCTATCCAACTGTCGGCCAGACCAGTCCCCGAGCCAG-3'
Protein context (NP_001035957.1, residues 2489-2509): KETQPWSSPK[Gly2499Ala]SEGYLAATYP